The following is an entry in ClinVar:

NM_002691.4(POLD1):c.206A>G (p.Gln69Arg)

Gene: POLD1 (DNA polymerase delta 1, catalytic subunit; plus strand). Cytogenetic location: 19q13.33.
Variant type: single nucleotide variant.
Coding change: c.206A>G on transcript NM_002691.4 (MANE Select); coding-DNA position 206, A replaced by G.
Protein change: p.Gln69Arg; replaces glutamine 69 with arginine.
Molecular consequence: missense variant. On other transcripts: non-coding transcript variant (1).
Genome position (GRCh38, 1-based): chr19:50,399,374, A>G. VCF-style: chr19-50399374-A-G. GRCh37 (hg19) VCF-style: chr19-50902631-A-G.
Other names: c.206A>G, p.Gln69Arg (NM_001256849.1, NM_001308632.1); short protein forms Q69R.
Identifiers: ClinVar variation 3781407 (VCV003781407.1).

ClinVar aggregate classification (germline): Uncertain significance (1 of 4 stars; one submission).

Conditions:
Hereditary cancer-predisposing syndrome. Also called: Neoplastic Syndromes, Hereditary; Hereditary Cancer Syndrome; Tumor predisposition; Hereditary neoplastic syndrome. Identifiers: Orphanet 140162, MedGen C0027672, MeSH D009386, MONDO:0015356.

Submission:

Ambry Genetics
Classification: Uncertain significance for Hereditary cancer-predisposing syndrome. Last evaluated: 2025-02-11. Review status: criteria provided, single submitter. Criteria: Ambry Variant Classification Scheme 2023. Collection method: clinical testing. Allele origin: germline.
Comment: The p.Q69R variant (also known as c.206A>G), located in coding exon 2 of the POLD1 gene, results from an A to G substitution at nucleotide position 206. The glutamine at codon 69 is replaced by arginine, an amino acid with highly similar properties. This amino acid position is conserved. In addition, this alteration is predicted to be tolerated by in silico analysis. Based on the available evidence, the clinical significance of this variant remains unclear.